The following is an entry in ClinVar:

ClinVar aggregate classification (germline): Uncertain significance (1 of 4 stars; one submission).

Allele frequency attached by ClinVar (database versions not stated): gnomAD exomes below 0.00001.
gnomAD v4.1: 3 of 1,613,474 alleles (0.00019%); highest among the groups gnomAD compares: Non-Finnish European, 0.00025%; no homozygotes.

Submission:

Labcorp Genetics (formerly Invitae), Labcorp
Classification: Uncertain significance. Last evaluated: 2022-11-29. Review status: criteria provided, single submitter. Criteria: Invitae Variant Classification Sherloc (09022015). Collection method: clinical testing. Allele origin: germline.
Comment: In summary, the available evidence is currently insufficient to determine the role of this variant in disease. Therefore, it has been classified as a Variant of Uncertain Significance. Algorithms developed to predict the effect of missense changes on protein structure and function are either unavailable or do not agree on the potential impact of this missense change (SIFT: "Deleterious"; PolyPhen-2: "Possibly Damaging"; Align-GVGD: "Class C0"). This sequence change replaces glutamic acid, which is acidic and polar, with glutamine, which is neutral and polar, at codon 59 of the IL21 protein (p.Glu59Gln). This variant is present in population databases (no rsID available, gnomAD 0.0009%). This variant has not been reported in the literature in individuals affected with IL21-related conditions.

NM_021803.4(IL21):c.175G>C (p.Glu59Gln)

Genes: IL21 (interleukin 21; minus strand), IL21-AS1 (IL21 antisense RNA 1; plus strand), LOC126807147 (CDK7 strongly-dependent group 2 enhancer GRCh37_chr4:123541308-123542507; plus strand). Cytogenetic location: 4q27.
Variant type: single nucleotide variant.
Coding change: c.175G>C on transcript NM_021803.4 (MANE Select); coding-DNA position 175, G replaced by C.
Protein change: p.Glu59Gln; replaces glutamic acid 59 with glutamine.
Molecular consequence: missense variant.
Genome position (GRCh38, 1-based): chr4:122,620,730, C>G on the plus strand (G>C on the coding strand, the complement: IL21 is on the minus strand). VCF-style: chr4-122620730-C-G. GRCh37 (hg19) VCF-style: chr4-123541885-C-G.
Other names: c.175G>C, p.Glu59Gln (NM_001207006.3); short protein forms E59Q.
Identifiers: ClinVar variation 2902121 (VCV002902121.3), dbSNP rs1373986716, ClinGen allele CA358221560.